The following is an entry in ClinVar:

NM_001256715.2(DNAAF3):c.1414G>A (p.Gly472Arg)

Gene: DNAAF3 (dynein axonemal assembly factor 3; minus strand). Cytogenetic location: 19q13.42.
Variant type: single nucleotide variant.
Coding change: c.1414G>A on transcript NM_001256715.2 (MANE Select); coding-DNA position 1414, G replaced by A.
Protein change: p.Gly472Arg; replaces glycine 472 with arginine.
Molecular consequence: missense variant.
Genome position (GRCh38, 1-based): chr19:55,159,274, C>T on the plus strand (G>A on the coding strand, the complement: DNAAF3 is on the minus strand). VCF-style: chr19-55159274-C-T. GRCh37 (hg19) VCF-style: chr19-55670642-C-T.
Other names: c.1615G>A, p.Gly539Arg (NM_001256714.1); c.1252G>A, p.Gly418Arg (NM_001256716.2); c.1555G>A, p.Gly519Arg (NM_178837.4); short protein forms G539R, G519R, G418R, G472R.
Identifiers: ClinVar variation 330208 (VCV000330208.14), dbSNP rs201919395, ClinGen allele CA9667782.

ClinVar aggregate classification (germline): Conflicting classifications of pathogenicity. Review status: criteria provided, conflicting classifications (1 of 4 stars). 3 submissions from 3 submitters: Uncertain significance (1); Benign (1); Likely benign (1). Last evaluated 2025-04-16.

Conditions:
Primary ciliary dyskinesia. Also called: Ciliary dyskinesia. Identifiers: Orphanet 244, MedGen C0008780, MONDO:0016575, HP:0012265.

Allele frequency attached by ClinVar (database versions not stated): ESP Exome Variant Server 0.00016; gnomAD exomes 0.00023 and 0.00036; TOPMed 0.00030; ExAC 0.00038; 1000 Genomes Project 0.00040; 1000 Genomes Project 30x 0.00047.
gnomAD v4.1: 397 of 1,614,036 alleles (0.025%); highest among the groups gnomAD compares: Middle Eastern, 0.15%; no homozygotes.

Submissions (3):

Ambry Genetics
Classification: Benign for Primary ciliary dyskinesia. Last evaluated: 2025-04-16. Review status: criteria provided, single submitter. Criteria: Ambry Variant Classification Scheme 2023. Collection method: clinical testing. Allele origin: germline.

Blueprint Genetics
Classification: Likely benign. Last evaluated: 2024-11-27. Review status: criteria provided, single submitter. Criteria: ACMG Guidelines, 2015. Collection method: clinical testing. Allele origin: germline.

Labcorp Genetics (formerly Invitae), Labcorp
Classification: Uncertain significance for Primary ciliary dyskinesia. Last evaluated: 2022-09-01. Review status: criteria provided, single submitter. Criteria: Invitae Variant Classification Sherloc (09022015). Collection method: clinical testing. Allele origin: germline.
Comment: This sequence change replaces glycine, which is neutral and non-polar, with arginine, which is basic and polar, at codon 539 of the DNAAF3 protein (p.Gly539Arg). This variant is present in population databases (rs201919395, gnomAD 0.07%). This variant has not been reported in the literature in individuals affected with DNAAF3-related conditions. ClinVar contains an entry for this variant (Variation ID: 330208). Algorithms developed to predict the effect of missense changes on protein structure and function output the following: SIFT: "Tolerated"; PolyPhen-2: "Benign"; Align-GVGD: "Class C0". The arginine amino acid residue is found in multiple mammalian species, which suggests that this missense change does not adversely affect protein function. In summary, the available evidence is currently insufficient to determine the role of this variant in disease. Therefore, it has been classified as a Variant of Uncertain Significance.